The following is an entry in ClinVar:

NM_000070.3(CAPN3):c.2231G>C (p.Ser744Thr)

Gene: CAPN3 (calpain 3; plus strand). Cytogenetic location: 15q15.1.
Variant type: single nucleotide variant.
Coding change: c.2231G>C on transcript NM_000070.3 (MANE Select); coding-DNA position 2231, G replaced by C.
Protein change: p.Ser744Thr; replaces serine 744 with threonine.
Molecular consequence: missense variant.
Genome position (GRCh38, 1-based): chr15:42,410,634, G>C. VCF-style: chr15-42410634-G-C. GRCh37 (hg19) VCF-style: chr15-42702832-G-C.
Other names: c.2213G>C, p.Ser738Thr (NM_024344.2); c.1955G>C, p.Ser652Thr (NM_173087.2); c.695G>C, p.Ser232Thr (NM_173088.2); c.236G>C, p.Ser79Thr (NM_173089.2, NM_173090.2); short protein forms S744T, S652T, S738T, S232T, S79T.
Identifiers: ClinVar variation 290542 (VCV000290542.8), dbSNP rs886044480, ClinGen allele CA10606809.
Genomic context (GRCh38, chr15:42,410,634, plus strand): 5'-TTTTCTATTGCCAGAAAATTTTCAAACACTATGACACAGACCAGTCCGGCACCATCAACA[G>C]CTACGAGATGCGAAATGCAGTCAACGACGCAGGTGCTGAGAAGGAAGGGGTGGCAGGGAT-3'
Protein context (NP_000061.1, residues 734-754): YDTDQSGTIN[Ser744Thr]YEMRNAVNDA

ClinVar aggregate classification (germline): Conflicting classifications of pathogenicity. Review status: criteria provided, conflicting classifications (1 of 4 stars). 2 submissions from 2 submitters: Likely pathogenic (1); Uncertain significance (1). Last evaluated 2024-05-20.

Conditions:
Autosomal recessive limb-girdle muscular dystrophy type 2A (LGMDR1). Also called: LEYDEN-MOEBIUS MUSCULAR DYSTROPHY; MUSCULAR DYSTROPHY, PELVOFEMORAL; Limb-girdle muscular dystrophy, type 2A; Calpainopathy; Muscular dystrophy, limb-girdle, type 2A, Amish. Identifiers: Orphanet 267, MedGen C1869123, MONDO:0009675, OMIM 253600. Disease mechanism: loss of function.

Submissions (2):

Labcorp Genetics (formerly Invitae), Labcorp
Classification: Likely pathogenic for Autosomal recessive limb-girdle muscular dystrophy type 2A. Last evaluated: 2024-05-20. Review status: criteria provided, single submitter. Criteria: Invitae Variant Classification Sherloc (09022015). Collection method: clinical testing. Allele origin: germline.
Comment: This sequence change replaces serine, which is neutral and polar, with threonine, which is neutral and polar, at codon 744 of the CAPN3 protein (p.Ser744Thr). This variant is not present in population databases (gnomAD no frequency). This missense change has been observed in individual(s) with clinical features of autosomal recessive limb-girdle muscular dystrophy (Invitae). ClinVar contains an entry for this variant (Variation ID: 290542). Advanced modeling of protein sequence and biophysical properties (such as structural, functional, and spatial information, amino acid conservation, physicochemical variation, residue mobility, and thermodynamic stability) performed at Invitae indicates that this missense variant is not expected to disrupt CAPN3 protein function with a negative predictive value of 80%. This variant disrupts the p.Ser744 amino acid residue in CAPN3. Other variant(s) that disrupt this residue have been determined to be pathogenic (PMID: 7720071, 8624690, 9655129). This suggests that this residue is clinically significant, and that variants that disrupt this residue are likely to be disease-causing. In summary, the currently available evidence indicates that the variant is pathogenic, but additional data are needed to prove that conclusively. Therefore, this variant has been classified as Likely Pathogenic.

Eurofins Ntd Llc (ga)
Classification: Uncertain significance. Last evaluated: 2016-08-16. Review status: criteria provided, single submitter. Criteria: EGL Classification Definitions 2015. Collection method: clinical testing. Allele origin: germline. Observed: 1 variant allele, 1 heterozygote.

Literature cited by the submitters: PubMed 7720071 (cited by Labcorp Genetics (formerly Invitae), Labcorp); PubMed 8624690 (cited by Labcorp Genetics (formerly Invitae), Labcorp); PubMed 9655129 (cited by Labcorp Genetics (formerly Invitae), Labcorp).